The following is an entry in ClinVar:

ClinVar aggregate classification (germline): Benign. Review status: criteria provided, multiple submitters, no conflicts (2 of 4 stars). 4 submissions from 4 submitters: Benign (4). Last evaluated 2026-01-22.

Allele frequency attached by ClinVar (database versions not stated): gnomAD exomes 0.00417; ExAC 0.00682; gnomAD 0.01652 and 0.01775; ESP Exome Variant Server 0.01729; TOPMed 0.01866; 1000 Genomes Project 0.02077; 1000 Genomes Project 30x 0.02124.

Submissions (4):

Labcorp Genetics (formerly Invitae), Labcorp
Classification: Benign. Last evaluated: 2026-01-22. Review status: criteria provided, single submitter. Criteria: Invitae Variant Classification Sherloc (09022015). Collection method: clinical testing. Allele origin: germline.

Athena Diagnostics
Classification: Benign. Last evaluated: 2018-11-14. Review status: criteria provided, single submitter. Criteria: Athena Diagnostics Criteria. Collection method: clinical testing. Allele origin: germline.

GeneDx
Classification: Benign. Last evaluated: 2017-10-09. Review status: criteria provided, single submitter. Criteria: GeneDx Variant Classification (06012015). Collection method: clinical testing. Allele origin: germline. Affected: yes.
Comment: This variant is considered likely benign or benign based on one or more of the following criteria: it is a conservative change, it occurs at a poorly conserved position in the protein, it is predicted to be benign by multiple in silico algorithms, and/or has population frequency not consistent with disease.

Breakthrough Genomics
Classification: Benign. Review status: criteria provided, single submitter. Criteria: ACMG Guidelines, 2015. Collection method: not provided. Allele origin: germline. Inheritance: Unknown mechanism. Affected: yes.

NM_175875.5(SIX5):c.1783G>A (p.Val595Met)

Gene: SIX5 (SIX homeobox 5; minus strand). Cytogenetic location: 19q13.32.
Variant type: single nucleotide variant.
Coding change: c.1783G>A on transcript NM_175875.5 (MANE Select); coding-DNA position 1783, G replaced by A.
Protein change: p.Val595Met; replaces valine 595 with methionine.
Molecular consequence: missense variant.
Genome position (GRCh38, 1-based): chr19:45,765,938, C>T on the plus strand (G>A on the coding strand, the complement: SIX5 is on the minus strand). VCF-style: chr19-45765938-C-T. GRCh37 (hg19) VCF-style: chr19-46269196-C-T.
Other names: short protein forms V595M.
Identifiers: ClinVar variation 508160 (VCV000508160.13), dbSNP rs114060947, ClinGen allele CA9520506.